The following is an entry in ClinVar:

ClinVar aggregate classification (germline): Uncertain significance. Review status: criteria provided, multiple submitters, no conflicts (2 of 4 stars). 2 submissions from 2 submitters: Uncertain significance (2). Last evaluated 2023-11-07.

Conditions:
Inborn genetic diseases. Identifiers: MedGen C0950123, MeSH D030342.
Charcot-Marie-Tooth disease dominant intermediate B (CMTDIB). Also called: Charcot-Marie-Tooth disease dominant intermediate 1; CMT DI1; Charcot-Marie-Tooth disease dominant intermediate I; CHARCOT-MARIE-TOOTH NEUROPATHY, DOMINANT INTERMEDIATE B. Identifiers: Orphanet 100044, Orphanet 228179, MedGen C1847902, MONDO:0011674, OMIM 606482.

Allele frequency attached by ClinVar (database versions not stated): ExAC 0.00001; gnomAD 0.00001; TOPMed 0.00001; gnomAD exomes 0.00002.
gnomAD v4.1: 13 of 1,613,968 alleles (0.00081%); highest among the groups gnomAD compares: East Asian, 0.029%; no homozygotes.

Submissions (2):

Ambry Genetics
Classification: Uncertain significance for Inborn genetic diseases. Last evaluated: 2023-11-07. Review status: criteria provided, single submitter. Criteria: Ambry Variant Classification Scheme 2023. Collection method: clinical testing. Allele origin: germline.

Labcorp Genetics (formerly Invitae), Labcorp
Classification: Uncertain significance for Charcot-Marie-Tooth disease dominant intermediate B. Last evaluated: 2022-04-20. Review status: criteria provided, single submitter. Criteria: Invitae Variant Classification Sherloc (09022015). Collection method: clinical testing. Allele origin: germline.
Comment: In summary, the available evidence is currently insufficient to determine the role of this variant in disease. Therefore, it has been classified as a Variant of Uncertain Significance. Algorithms developed to predict the effect of sequence changes on RNA splicing suggest that this variant may create or strengthen a splice site. Algorithms developed to predict the effect of missense changes on protein structure and function are either unavailable or do not agree on the potential impact of this missense change (SIFT: "Tolerated"; PolyPhen-2: "Possibly Damaging"; Align-GVGD: "Class C0"). This variant has not been reported in the literature in individuals affected with DNM2-related conditions. This sequence change replaces alanine, which is neutral and non-polar, with valine, which is neutral and non-polar, at codon 716 of the DNM2 protein (p.Ala716Val). This variant is present in population databases (rs767679760, gnomAD 0.01%).

NM_001005361.3(DNM2):c.2147C>T (p.Ala716Val)

Gene: DNM2 (dynamin 2; plus strand). Cytogenetic location: 19p13.2.
Variant type: single nucleotide variant.
Coding change: c.2147C>T on transcript NM_001005361.3 (MANE Select); coding-DNA position 2147, C replaced by T.
Protein change: p.Ala716Val; replaces alanine 716 with valine.
Molecular consequence: missense variant.
Genome position (GRCh38, 1-based): chr19:10,829,124, C>T. VCF-style: chr19-10829124-C-T. GRCh37 (hg19) VCF-style: chr19-10939800-C-T.
Other names: c.2147C>T, p.Ala716Val (NM_001005360.3, NM_001190716.2); c.2135C>T, p.Ala712Val (NM_001005362.3, NM_004945.4); short protein forms A716V, A712V.
Identifiers: ClinVar variation 2171830 (VCV002171830.5), dbSNP rs767679760, ClinGen allele CA9201532.